The following is an entry in ClinVar:

NM_006231.4(POLE):c.5165A>G (p.Tyr1722Cys)

Gene: POLE (DNA polymerase epsilon, catalytic subunit; minus strand). Cytogenetic location: 12q24.33.
Variant type: single nucleotide variant.
Coding change: c.5165A>G on transcript NM_006231.4 (MANE Select); coding-DNA position 5165, A replaced by G.
Protein change: p.Tyr1722Cys; replaces tyrosine 1722 with cysteine.
Molecular consequence: missense variant.
Genome position (GRCh38, 1-based): chr12:132,642,185, T>C on the plus strand (A>G on the coding strand, the complement: POLE is on the minus strand). VCF-style: chr12-132642185-T-C. GRCh37 (hg19) VCF-style: chr12-133218771-T-C.
Other names: short protein forms Y1722C.
Identifiers: ClinVar variation 2769309 (VCV002769309.3), dbSNP rs2541883193, ClinGen allele CA387376636.

ClinVar aggregate classification (germline): Uncertain significance (1 of 4 stars; one submission).

Submission:

Labcorp Genetics (formerly Invitae), Labcorp
Classification: Uncertain significance. Last evaluated: 2024-10-16. Review status: criteria provided, single submitter. Criteria: Invitae Variant Classification Sherloc (09022015). Collection method: clinical testing. Allele origin: germline.
Comment: This sequence change replaces tyrosine, which is neutral and polar, with cysteine, which is neutral and slightly polar, at codon 1722 of the POLE protein (p.Tyr1722Cys). This variant is not present in population databases (gnomAD no frequency). This variant has not been reported in the literature in individuals affected with POLE-related conditions. Invitae Evidence Modeling of protein sequence and biophysical properties (such as structural, functional, and spatial information, amino acid conservation, physicochemical variation, residue mobility, and thermodynamic stability) indicates that this missense variant is not expected to disrupt POLE protein function with a negative predictive value of 80%. In summary, the available evidence is currently insufficient to determine the role of this variant in disease. Therefore, it has been classified as a Variant of Uncertain Significance.